The following is an entry in ClinVar:

ClinVar aggregate classification (germline): Uncertain significance. Review status: criteria provided, multiple submitters, no conflicts (2 of 4 stars). 2 submissions from 2 submitters: Uncertain significance (2). Last evaluated 2025-11-11.

Conditions:
Legius syndrome. Identifiers: Orphanet 137605, MedGen C1969623, MONDO:0012669, OMIM 611431. Disease mechanism: loss of function.
Cardiovascular phenotype. Identifiers: MedGen CN230736.

Allele frequency attached by ClinVar (database versions not stated): gnomAD 0.00001.
gnomAD v4.1: 1 of 1,613,760 alleles (0.000062%); highest among the groups gnomAD compares: Non-Finnish European, 0.000085%; no homozygotes.

Submissions (2):

Ambry Genetics
Classification: Uncertain significance for Cardiovascular phenotype. Last evaluated: 2025-11-11. Review status: criteria provided, single submitter. Criteria: Ambry Variant Classification Scheme 2023. Collection method: clinical testing. Allele origin: germline.
Comment: The p.I245T variant (also known as c.734T>C), located in coding exon 7 of the SPRED1 gene, results from a T to C substitution at nucleotide position 734. The isoleucine at codon 245 is replaced by threonine, an amino acid with similar properties. This amino acid position is conserved. In addition, this alteration is predicted to be deleterious by in silico analysis. Based on the available evidence, the clinical significance of this variant remains unclear.

Labcorp Genetics (formerly Invitae), Labcorp
Classification: Uncertain significance for Legius syndrome. Last evaluated: 2023-06-19. Review status: criteria provided, single submitter. Criteria: Invitae Variant Classification Sherloc (09022015). Collection method: clinical testing. Allele origin: germline.
Comment: In summary, the available evidence is currently insufficient to determine the role of this variant in disease. Therefore, it has been classified as a Variant of Uncertain Significance. Advanced modeling of protein sequence and biophysical properties (such as structural, functional, and spatial information, amino acid conservation, physicochemical variation, residue mobility, and thermodynamic stability) performed at Invitae indicates that this missense variant is not expected to disrupt SPRED1 protein function. This variant has not been reported in the literature in individuals affected with SPRED1-related conditions. This variant is not present in population databases (gnomAD no frequency). This sequence change replaces isoleucine, which is neutral and non-polar, with threonine, which is neutral and polar, at codon 245 of the SPRED1 protein (p.Ile245Thr).

NM_152594.3(SPRED1):c.734T>C (p.Ile245Thr)

Gene: SPRED1 (sprouty related EVH1 domain containing 1; plus strand). Cytogenetic location: 15q14.
Variant type: single nucleotide variant.
Coding change: c.734T>C on transcript NM_152594.3 (MANE Select); coding-DNA position 734, T replaced by C.
Protein change: p.Ile245Thr; replaces isoleucine 245 with threonine.
Molecular consequence: missense variant.
Genome position (GRCh38, 1-based): chr15:38,351,063, T>C. VCF-style: chr15-38351063-T-C. GRCh37 (hg19) VCF-style: chr15-38643264-T-C.
Other names: c.734T>C (NM_152594.2); short protein forms I245T.
Identifiers: ClinVar variation 2719453 (VCV002719453.4), dbSNP rs1888472357, ClinGen allele CA391933122.